The following is an entry in ClinVar:

NM_004204.5(PIGQ):c.1511G>A (p.Cys504Tyr)

Gene: PIGQ (phosphatidylinositol glycan anchor biosynthesis class Q; plus strand). Cytogenetic location: 16p13.3.
Variant type: single nucleotide variant.
Coding change: c.1511G>A on transcript NM_004204.5 (MANE Select); coding-DNA position 1511, G replaced by A.
Protein change: p.Cys504Tyr; replaces cysteine 504 with tyrosine.
Molecular consequence: missense variant.
Genome position (GRCh38, 1-based): chr16:580,952, G>A. VCF-style: chr16-580952-G-A. GRCh37 (hg19) VCF-style: chr16-630952-G-A.
Other names: c.1511G>A, p.Cys504Tyr (NM_148920.4); short protein forms C504Y.
Identifiers: ClinVar variation 1415257 (VCV001415257.8), dbSNP rs2151048966, ClinGen allele CA394059373.

ClinVar aggregate classification (germline): Uncertain significance (1 of 4 stars; one submission).

Conditions:
Epilepsy. Also called: Seizure disorder. Identifiers: MedGen C0014544, MeSH D004827, MONDO:0005027.

Submission:

Labcorp Genetics (formerly Invitae), Labcorp
Classification: Uncertain significance for Epilepsy. Last evaluated: 2021-06-24. Review status: criteria provided, single submitter. Criteria: Invitae Variant Classification Sherloc (09022015). Collection method: clinical testing. Allele origin: germline.
Comment: This variant is not present in population databases (ExAC no frequency). In summary, the available evidence is currently insufficient to determine the role of this variant in disease. Therefore, it has been classified as a Variant of Uncertain Significance. Algorithms developed to predict the effect of missense changes on protein structure and function are either unavailable or do not agree on the potential impact of this missense change (SIFT: "Tolerated"; PolyPhen-2: "Possibly Damaging"; Align-GVGD: "Class C0"). This variant has not been reported in the literature in individuals with PIGQ-related conditions. This sequence change replaces cysteine with tyrosine at codon 504 of the PIGQ protein (p.Cys504Tyr). The cysteine residue is moderately conserved and there is a large physicochemical difference between cysteine and tyrosine.